The following is an entry in ClinVar:

NM_004667.6(HERC2):c.5799T>A (p.Ala1933=)

Gene: HERC2 (HECT and RLD domain containing E3 ubiquitin protein ligase 2; minus strand). Cytogenetic location: 15q13.1.
Variant type: single nucleotide variant.
Coding change: c.5799T>A on transcript NM_004667.6 (MANE Select); coding-DNA position 5799, T replaced by A.
Protein change: p.Ala1933=; no amino-acid change (alanine 1933 retained).
Molecular consequence: synonymous variant.
Genome position (GRCh38, 1-based): chr15:28,220,498, A>T on the plus strand (T>A on the coding strand, the complement: HERC2 is on the minus strand). VCF-style: chr15-28220498-A-T. GRCh37 (hg19) VCF-style: chr15-28465644-A-T.
Identifiers: ClinVar variation 1298608 (VCV001298608.36), dbSNP rs142034055, ClinGen allele CA7442248.

ClinVar aggregate classification (germline): Likely benign. Review status: criteria provided, multiple submitters, no conflicts (2 of 4 stars). 2 submissions from 2 submitters: Likely benign (2). Last evaluated 2026-06-01.

Allele frequency attached by ClinVar (database versions not stated): gnomAD exomes 0.00031; ExAC 0.00036; ESP Exome Variant Server 0.00123; gnomAD 0.00132; TOPMed 0.00142; 1000 Genomes Project 0.00200; 1000 Genomes Project 30x 0.00219.

Submissions (2):

CeGaT Center for Human Genetics Tuebingen
Classification: Likely benign. Last evaluated: 2026-06-01. Review status: criteria provided, single submitter. Criteria: CeGaT Center For Human Genetics Tuebingen Variant Classification Criteria Version 2. Collection method: clinical testing. Allele origin: germline. Affected: yes. Observed: 3 variant alleles.
Comment: HERC2: BP4, BP7

Blueprint Genetics
Classification: Likely benign. Last evaluated: 2024-02-08. Review status: criteria provided, single submitter. Criteria: ACMG Guidelines, 2015. Collection method: clinical testing. Allele origin: germline.